The following is an entry in ClinVar:

ClinVar aggregate classification (germline): Uncertain significance (1 of 4 stars; one submission).

Conditions:
Hereditary cancer-predisposing syndrome. Also called: Neoplastic Syndromes, Hereditary; Hereditary neoplastic syndrome; Tumor predisposition; Hereditary Cancer Syndrome. Identifiers: Orphanet 140162, MedGen C0027672, MeSH D009386, MONDO:0015356.

Submission:

Ambry Genetics
Classification: Uncertain significance for Hereditary cancer-predisposing syndrome. Last evaluated: 2022-11-02. Review status: criteria provided, single submitter. Criteria: Ambry Variant Classification Scheme 2023. Collection method: clinical testing. Allele origin: germline.
Comment: The p.C17Y variant (also known as c.50G>A), located in coding exon 1 of the PHOX2B gene, results from a G to A substitution at nucleotide position 50. The cysteine at codon 17 is replaced by tyrosine, an amino acid with highly dissimilar properties. This alteration has been reported in a child with a personal history of late-onset hypoventilation with hypothalmic dysfunction and a maturing ganglioneuroma (Heide S et al. Pediatr Blood Cancer, 2016 Jan;63:71-7). This amino acid position is highly conserved in available vertebrate species. In addition, this alteration is predicted to be deleterious by in silico analysis. Since supporting evidence is limited at this time, the clinical significance of this alteration remains unclear.

Literature cited by the submitters: PubMed 26375764.

NM_003924.4(PHOX2B):c.50G>A (p.Cys17Tyr)

Genes: PHOX2B-AS1 (PHOX2B antisense RNA 1; plus strand), PHOX2B (paired like homeobox 2B; minus strand). Cytogenetic location: 4p13.
Variant type: single nucleotide variant.
Coding change: c.50G>A on transcript NM_003924.4 (MANE Select); coding-DNA position 50, G replaced by A.
Protein change: p.Cys17Tyr; replaces cysteine 17 with tyrosine.
Molecular consequence: missense variant.
Genome position (GRCh38, 1-based): chr4:41,748,561, C>T on the plus strand (G>A on the coding strand, the complement: PHOX2B is on the minus strand). VCF-style: chr4-41748561-C-T. GRCh37 (hg19) VCF-style: chr4-41750578-C-T.
Other names: short protein forms C17Y.
Identifiers: ClinVar variation 2496764 (VCV002496764.2), dbSNP rs2552097194, ClinGen allele CA356741258.